The following is an entry in ClinVar:

NM_015335.5(MED13L):c.6008C>T (p.Ser2003Leu)

Gene: MED13L (mediator complex subunit 13L; minus strand). Cytogenetic location: 12q24.21.
Variant type: single nucleotide variant.
Coding change: c.6008C>T on transcript NM_015335.5 (MANE Select); coding-DNA position 6008, C replaced by T.
Protein change: p.Ser2003Leu; replaces serine 2003 with leucine.
Molecular consequence: missense variant.
Genome position (GRCh38, 1-based): chr12:115,970,653, G>A on the plus strand (C>T on the coding strand, the complement: MED13L is on the minus strand). VCF-style: chr12-115970653-G-A. GRCh37 (hg19) VCF-style: chr12-116408458-G-A.
Other names: short protein forms S2003L.
Identifiers: ClinVar variation 3252706 (VCV003252706.1), dbSNP rs2499969657.

ClinVar aggregate classification (germline): Uncertain significance (1 of 4 stars; one submission).

Submission:

GeneDx
Classification: Uncertain significance. Last evaluated: 2023-12-08. Review status: criteria provided, single submitter. Criteria: GeneDx Variant Classification Process June 2021. Collection method: clinical testing. Allele origin: germline. Affected: yes.
Comment: Not observed at significant frequency in large population cohorts (gnomAD); In silico analysis supports that this missense variant does not alter protein structure/function; Has not been previously published as pathogenic or benign to our knowledge